The following is an entry in ClinVar:

ClinVar aggregate classification (germline): Conflicting classifications of pathogenicity. Review status: criteria provided, conflicting classifications (1 of 4 stars). 2 submissions from 2 submitters: Uncertain significance (1); Likely benign (1). Last evaluated 2026-01-19.

Conditions:
Inborn genetic diseases. Identifiers: MedGen C0950123, MeSH D030342.

Allele frequency attached by ClinVar (database versions not stated): gnomAD 0.00001; TOPMed 0.00001.

Submissions (2):

Labcorp Genetics (formerly Invitae), Labcorp
Classification: Uncertain significance. Last evaluated: 2026-01-19. Review status: criteria provided, single submitter. Criteria: Invitae Variant Classification Sherloc (09022015). Collection method: clinical testing. Allele origin: germline.
Comment: This sequence change replaces valine, which is neutral and non-polar, with isoleucine, which is neutral and non-polar, at codon 115 of the SCO1 protein (p.Val115Ile). This variant is present in population databases (no rsID available, gnomAD 0.01%). This variant has not been reported in the literature in individuals affected with SCO1-related conditions. ClinVar contains an entry for this variant (Variation ID: 1908145). Invitae Evidence Modeling of protein sequence and biophysical properties (such as structural, functional, and spatial information, amino acid conservation, physicochemical variation, residue mobility, and thermodynamic stability) indicates that this missense variant is not expected to disrupt SCO1 protein function with a negative predictive value of 80%. In summary, the available evidence is currently insufficient to determine the role of this variant in disease. Therefore, it has been classified as a Variant of Uncertain Significance.

Ambry Genetics
Classification: Likely benign for Inborn genetic diseases. Last evaluated: 2025-12-09. Review status: criteria provided, single submitter. Criteria: Ambry Variant Classification Scheme 2023. Collection method: clinical testing. Allele origin: germline.

NM_004589.4(SCO1):c.343G>A (p.Val115Ile)

Gene: SCO1 (synthesis of cytochrome C oxidase 1; minus strand). Cytogenetic location: 17p13.1.
Variant type: single nucleotide variant.
Coding change: c.343G>A on transcript NM_004589.4 (MANE Select); coding-DNA position 343, G replaced by A.
Protein change: p.Val115Ile; replaces valine 115 with isoleucine.
Molecular consequence: missense variant.
Genome position (GRCh38, 1-based): chr17:10,695,762, C>T on the plus strand (G>A on the coding strand, the complement: SCO1 is on the minus strand). VCF-style: chr17-10695762-C-T. GRCh37 (hg19) VCF-style: chr17-10599079-C-T.
Other names: short protein forms V115I.
Identifiers: ClinVar variation 1908145 (VCV001908145.5), dbSNP rs766825748, ClinGen allele CA321301.